The following is an entry in ClinVar:

NM_001347674.1(KRTAP5-4):c.112T>C (p.Cys38Arg)

Gene: KRTAP5-4 (keratin associated protein 5-4; minus strand). Cytogenetic location: 11p15.5.
Variant type: single nucleotide variant.
Coding change: c.112T>C on transcript NM_001347674.1 (MANE Select); coding-DNA position 112, T replaced by C.
Protein change: p.Cys38Arg; replaces cysteine 38 with arginine.
Molecular consequence: missense variant.
Genome position (GRCh38, 1-based): chr11:1,621,982, A>G on the plus strand (T>C on the coding strand, the complement: KRTAP5-4 is on the minus strand). VCF-style: chr11-1621982-A-G. GRCh37 (hg19) VCF-style: chr11-1643212-A-G.
Other names: c.112T>C (NM_001012709.1); short protein forms C38R.
Identifiers: ClinVar variation 4045585 (VCV004045585.1).

ClinVar aggregate classification (germline): Uncertain significance (1 of 4 stars; one submission).

Submission:

Ambry Genetics
Classification: Uncertain significance. Last evaluated: 2025-04-17. Review status: criteria provided, single submitter. Criteria: Ambry Variant Classification Scheme 2023. Collection method: clinical testing. Allele origin: germline.
Comment: The c.112T>C (p.C38R) alteration is located in exon (coding exon ) of the KRTAP5-4 gene. This alteration results from a T to C substitution at nucleotide position 112, causing the cysteine (C) at amino acid position 38 to be replaced by an arginine (R). Based on insufficient or conflicting evidence, the clinical significance of this alteration remains unclear.